The following is an entry in ClinVar:

NM_001042492.3(NF1):c.4463C>T (p.Thr1488Ile)

Gene: NF1 (neurofibromin 1; plus strand). Cytogenetic location: 17q11.2.
Variant type: single nucleotide variant.
Coding change: c.4463C>T on transcript NM_001042492.3 (MANE Select); coding-DNA position 4463, C replaced by T.
Protein change: p.Thr1488Ile; replaces threonine 1488 with isoleucine.
Molecular consequence: missense variant.
Genome position (GRCh38, 1-based): chr17:31,260,401, C>T. VCF-style: chr17-31260401-C-T. GRCh37 (hg19) VCF-style: chr17-29587419-C-T.
Other names: c.4400C>T, p.Thr1467Ile (NM_000267.4); short protein forms T1488I, T1467I.
Identifiers: ClinVar variation 824868 (VCV000824868.9), dbSNP rs1597746958, ClinGen allele CA398999290.
Genomic context (GRCh38, chr17:31,260,401, plus strand): 5'-AAATTCTAATGACTTTGCATTTTTGAAGGTTTTTCCTTGATATAGCATCTGATTGTCCTA[C>T]AAGTGATGCAGTAAATCATAGTCTTTCCTTCATAAGTGACGGCAATGTGCTTGCTTTACA-3'
Protein context (NP_001035957.1, residues 1478-1498): FFLDIASDCP[Thr1488Ile]SDAVNHSLSF

ClinVar aggregate classification (germline): Uncertain significance. Review status: criteria provided, multiple submitters, no conflicts (2 of 4 stars). 2 submissions from 2 submitters: Uncertain significance (2). Last evaluated 2022-02-02.

Conditions:
Neurofibromatosis, type 1 (NF1). Also called: Neurofibromatosis, type I; Peripheral type neurofibromatosis; VON RECKLINGHAUSEN DISEASE; NEUROFIBROMATOSIS, TYPE I, SOMATIC. Identifiers: Orphanet 636, MedGen C0027831, MONDO:0018975, OMIM 162200. Disease mechanism: loss of function.
Hereditary cancer-predisposing syndrome. Also called: Neoplastic Syndromes, Hereditary; Hereditary Cancer Syndrome; Hereditary neoplastic syndrome; Tumor predisposition. Identifiers: Orphanet 140162, MedGen C0027672, MeSH D009386, MONDO:0015356.
Cardiovascular phenotype. Identifiers: MedGen CN230736.

Submissions (2):

Labcorp Genetics (formerly Invitae), Labcorp
Classification: Uncertain significance for Neurofibromatosis, type 1. Last evaluated: 2022-02-02. Review status: criteria provided, single submitter. Criteria: Invitae Variant Classification Sherloc (09022015). Collection method: clinical testing. Allele origin: germline.
Comment: In summary, the available evidence is currently insufficient to determine the role of this variant in disease. Therefore, it has been classified as a Variant of Uncertain Significance. Advanced modeling of protein sequence and biophysical properties (such as structural, functional, and spatial information, amino acid conservation, physicochemical variation, residue mobility, and thermodynamic stability) performed at Invitae indicates that this missense variant is not expected to disrupt NF1 protein function. ClinVar contains an entry for this variant (Variation ID: 824868). This variant has not been reported in the literature in individuals affected with NF1-related conditions. This variant is not present in population databases (gnomAD no frequency). This sequence change replaces threonine, which is neutral and polar, with isoleucine, which is neutral and non-polar, at codon 1467 of the NF1 protein (p.Thr1467Ile).

Ambry Genetics
Classification: Uncertain significance for Cardiovascular phenotype; Hereditary cancer-predisposing syndrome. Last evaluated: 2019-04-23. Review status: criteria provided, single submitter. Criteria: Ambry Variant Classification Scheme 2023. Collection method: clinical testing. Allele origin: germline.
Comment: The p.T1467I variant (also known as c.4400C>T), located in coding exon 33 of the NF1 gene, results from a C to T substitution at nucleotide position 4400. The threonine at codon 1467 is replaced by isoleucine, an amino acid with similar properties. This amino acid position is not well conserved in available vertebrate species. In addition, this alteration is predicted to be tolerated by in silico analysis. Since supporting evidence is limited at this time, the clinical significance of this alteration remains unclear.